The following is an entry in ClinVar:

ClinVar aggregate classification (germline): Uncertain significance. Review status: criteria provided, multiple submitters, no conflicts (2 of 4 stars). 2 submissions from 2 submitters: Uncertain significance (2). Last evaluated 2025-09-26.

Allele frequency attached by ClinVar (database versions not stated): gnomAD exomes below 0.00001; gnomAD 0.00001; TOPMed 0.00001.
gnomAD v4.1: 6 of 1,611,320 alleles (0.00037%); highest among the groups gnomAD compares: African/African-American, 0.0013%; no homozygotes.

Submissions (2):

Ambry Genetics
Classification: Uncertain significance. Last evaluated: 2025-09-26. Review status: criteria provided, single submitter. Criteria: Ambry Variant Classification Scheme 2023. Collection method: clinical testing. Allele origin: germline.

Labcorp Genetics (formerly Invitae), Labcorp
Classification: Uncertain significance. Last evaluated: 2022-03-19. Review status: criteria provided, single submitter. Criteria: Invitae Variant Classification Sherloc (09022015). Collection method: clinical testing. Allele origin: germline.
Comment: In summary, the available evidence is currently insufficient to determine the role of this variant in disease. Therefore, it has been classified as a Variant of Uncertain Significance. Algorithms developed to predict the effect of missense changes on protein structure and function (SIFT, PolyPhen-2, Align-GVGD) all suggest that this variant is likely to be disruptive. This variant has not been reported in the literature in individuals affected with SNIP1-related conditions. This variant is present in population databases (no rsID available, gnomAD 0.0009%). This sequence change replaces arginine, which is basic and polar, with cysteine, which is neutral and slightly polar, at codon 288 of the SNIP1 protein (p.Arg288Cys).

NM_024700.4(SNIP1):c.862C>T (p.Arg288Cys)

Genes: SNIP1 (Smad nuclear interacting protein 1; minus strand), LOC126805704 (BRD4-independent group 4 enhancer GRCh37_chr1:38005292-38006491; plus strand). Cytogenetic location: 1p34.3.
Variant type: single nucleotide variant.
Coding change: c.862C>T on transcript NM_024700.4 (MANE Select); coding-DNA position 862, C replaced by T.
Protein change: p.Arg288Cys; replaces arginine 288 with cysteine.
Molecular consequence: missense variant.
Genome position (GRCh38, 1-based): chr1:37,540,221, G>A on the plus strand (C>T on the coding strand, the complement: SNIP1 is on the minus strand). VCF-style: chr1-37540221-G-A. GRCh37 (hg19) VCF-style: chr1-38005822-G-A.
Other names: c.862C>T (NM_024700.2); short protein forms R288C.
Identifiers: ClinVar variation 1421095 (VCV001421095.10), dbSNP rs1278612134, ClinGen allele CA339448803.